The following is an entry in ClinVar:

ClinVar aggregate classification (germline): Uncertain significance. Review status: criteria provided, multiple submitters, no conflicts (2 of 4 stars). 3 submissions from 3 submitters: Uncertain significance (3). Last evaluated 2024-02-06.

Conditions:
Hereditary breast ovarian cancer syndrome. Also called: Hereditary breast and ovarian cancer; Hereditary breast and/or ovarian cancer syndrome; Hereditary breast and ovarian cancer syndrome; Hereditary breast and ovarian cancer syndrome (HBOC); Breast and ovarian cancer; BRCA1- and BRCA2-Associated Hereditary Breast and Ovarian Cancer. Identifiers: Orphanet 145, MedGen C0677776, MeSH D061325, MONDO:0003582. Disease mechanism: loss of function.
Hereditary cancer-predisposing syndrome. Also called: Hereditary neoplastic syndrome; Tumor predisposition; Neoplastic Syndromes, Hereditary; Hereditary Cancer Syndrome. Identifiers: Orphanet 140162, MedGen C0027672, MeSH D009386, MONDO:0015356.

Submissions (3):

Labcorp Genetics (formerly Invitae), Labcorp
Classification: Uncertain significance for Hereditary breast ovarian cancer syndrome. Last evaluated: 2024-02-06. Review status: criteria provided, single submitter. Criteria: Invitae Variant Classification Sherloc (09022015). Collection method: clinical testing. Allele origin: germline.
Comment: This sequence change replaces methionine, which is neutral and non-polar, with threonine, which is neutral and polar, at codon 128 of the BRCA1 protein (p.Met128Thr). This variant is not present in population databases (gnomAD no frequency). This variant has not been reported in the literature in individuals affected with BRCA1-related conditions. ClinVar contains an entry for this variant (Variation ID: 418065). Advanced modeling of protein sequence and biophysical properties (such as structural, functional, and spatial information, amino acid conservation, physicochemical variation, residue mobility, and thermodynamic stability) performed at Invitae indicates that this missense variant is not expected to disrupt BRCA1 protein function with a negative predictive value of 95%. In summary, the available evidence is currently insufficient to determine the role of this variant in disease. Therefore, it has been classified as a Variant of Uncertain Significance.

Ambry Genetics
Classification: Uncertain significance for Hereditary cancer-predisposing syndrome. Last evaluated: 2023-01-31. Review status: criteria provided, single submitter. Criteria: Ambry Variant Classification Scheme 2023. Collection method: clinical testing. Allele origin: germline.
Comment: The p.M128T variant (also known as c.383T>C), located in coding exon 5 of the BRCA1 gene, results from a T to C substitution at nucleotide position 383. The methionine at codon 128 is replaced by threonine, an amino acid with similar properties. This alteration has been reported in a cohort of 745 Korean hereditary breast and ovarian cancer (HBOC) patients (Park JS et al. Cancer Res Treat, 2017 Oct;49:1012-1021). This alteration was found to be functional in a multiplex HDR reporter assay (Starita LM et al. Am J Hum Genet, 2018 Oct;103:498-508). This amino acid position is not well conserved in available vertebrate species. In addition, this alteration is predicted to be deleterious by in silico analysis. Since supporting evidence is limited at this time, the clinical significance of this alteration remains unclear.

GeneDx
Classification: Uncertain significance. Last evaluated: 2019-07-17. Review status: criteria provided, single submitter. Criteria: GeneDx Variant Classification Process June 2021. Collection method: clinical testing. Allele origin: germline. Affected: yes.
Comment: Not observed in large population cohorts (Lek et al., 2016); In silico analysis, which includes protein predictors and evolutionary conservation, supports that this variant does not alter protein structure/function; Has not been previously published as pathogenic or benign to our knowledge; Also known as BRCA1 502T>C

Literature cited by the submitters: PubMed 28111427 (cited by Ambry Genetics); PubMed 30219179 (cited by Ambry Genetics).

NM_007294.4(BRCA1):c.383T>C (p.Met128Thr)

Gene: BRCA1 (BRCA1 DNA repair associated; minus strand). Cytogenetic location: 17q21.31.
Variant type: single nucleotide variant.
Coding change: c.383T>C on transcript NM_007294.4 (MANE Select); coding-DNA position 383, T replaced by C.
Protein change: p.Met128Thr; replaces methionine 128 with threonine.
Molecular consequence: missense variant. On other transcripts: non-coding transcript variant (1).
Genome position (GRCh38, 1-based): chr17:43,104,180, A>G on the plus strand (T>C on the coding strand, the complement: BRCA1 is on the minus strand). VCF-style: chr17-43104180-A-G. GRCh37 (hg19) VCF-style: chr17-41256197-A-G.
Other names: c.242T>C, p.Met81Thr (NM_001407732.1, NM_001407733.1, NM_001407734.1 and 99 more transcripts); c.383T>C, p.Met128Thr (NM_001408396.1, NM_001408399.1, NM_001408392.1 and 165 more transcripts); c.173T>C, p.Met58Thr (NM_001407853.1, NM_001407879.1, NM_001407881.1 and 58 more transcripts); c.305T>C, p.Met102Thr (NM_001407862.1, NM_001407874.1, NM_001407875.1 and 21 more transcripts); c.2T>C, p.Met1Thr (NM_001407959.1, NM_001407960.1, NM_001407962.1 and 4 more transcripts); c.374T>C, p.Met125Thr (NM_001408408.1, NM_001407646.1, NM_001407647.1); c.251T>C, p.Met84Thr (NM_001408451.1); short protein forms M128T, M81T, M58T, M84T, M102T, M125T, M1T.
Identifiers: ClinVar variation 418065 (VCV000418065.9), dbSNP rs1064793053, ClinGen allele CA10601376.
Genomic context (GRCh38, chr17:43,104,180, plus strand): 5'-ACCAAGGAAGGATTTTCGGGTTCACTCTGTAGAAGTCTTTTGGCACGGTTTCTGTAGCCC[A>G]TACTTTGGATGATAGAAACTTCATCTTTTAGATGTTCAGGAGAGTTATTTTCCTTTTTTG-3'
Protein context (NP_009225.1, residues 118-138): LKDEVSIIQS[Met128Thr]GYRNRAKRLL